The following is an entry in ClinVar:

ClinVar aggregate classification (germline): Conflicting classifications of pathogenicity. Review status: criteria provided, conflicting classifications (1 of 4 stars). 3 submissions from 3 submitters: Uncertain significance (1); Likely benign (2). Last evaluated 2025-09-17.

Conditions:
Tuberous sclerosis 2 (TSC2). Identifiers: Orphanet 805, MedGen C1860707, MONDO:0013199, OMIM 613254.
Hereditary cancer-predisposing syndrome. Also called: Neoplastic Syndromes, Hereditary; Hereditary Cancer Syndrome; Tumor predisposition; Hereditary neoplastic syndrome. Identifiers: Orphanet 140162, MedGen C0027672, MeSH D009386, MONDO:0015356.
Isolated focal cortical dysplasia type II (FCORD2). Also called: Focal cortical dysplasia type II; CORTICAL DYSPLASIA OF TAYLOR. Identifiers: Orphanet 268994, MedGen C1846385, MONDO:0011818, OMIM 607341, HP:0032051.

Submissions (3):

Ambry Genetics
Classification: Likely benign for Hereditary cancer-predisposing syndrome. Last evaluated: 2025-09-17. Review status: criteria provided, single submitter. Criteria: Ambry Variant Classification Scheme 2023. Collection method: clinical testing. Allele origin: germline.

3billion
Classification: Likely benign for Isolated focal cortical dysplasia type II; Tuberous sclerosis 2. Last evaluated: 2024-09-20. Review status: criteria provided, single submitter. Criteria: ACMG Guidelines, 2015. Collection method: clinical testing. Allele origin: germline. Affected: no.
Comment: The variant was identified in at least one patient who was diagnosed with a different variant in another gene and showed no symptoms related to the gene containing the variant in question.

Labcorp Genetics (formerly Invitae), Labcorp
Classification: Uncertain significance for Tuberous sclerosis 2. Last evaluated: 2022-01-26. Review status: criteria provided, single submitter. Criteria: Invitae Variant Classification Sherloc (09022015). Collection method: clinical testing. Allele origin: germline.
Comment: This sequence change affects codon 848 of the TSC2 mRNA. It is a 'silent' change, meaning that it does not change the encoded amino acid sequence of the TSC2 protein. It affects a nucleotide within the consensus splice site. This variant is not present in population databases (gnomAD no frequency). This variant has not been reported in the literature in individuals affected with TSC2-related conditions. Algorithms developed to predict the effect of sequence changes on RNA splicing suggest that this variant is not likely to affect RNA splicing. In summary, the available evidence is currently insufficient to determine the role of this variant in disease. Therefore, it has been classified as a Variant of Uncertain Significance.

NM_000548.5(TSC2):c.2544C>A (p.Ser848=)

Gene: TSC2 (TSC complex subunit 2; plus strand). Cytogenetic location: 16p13.3.
Variant type: single nucleotide variant.
Coding change: c.2544C>A on transcript NM_000548.5 (MANE Select); coding-DNA position 2544, C replaced by A.
Protein change: p.Ser848=; no amino-acid change (serine 848 retained).
Molecular consequence: synonymous variant.
Genome position (GRCh38, 1-based): chr16:2,074,388, C>A. VCF-style: chr16-2074388-C-A. GRCh37 (hg19) VCF-style: chr16-2124389-C-A.
Other names: c.2544C>A, p.Ser848= (NM_001077183.3, NM_001114382.3, NM_001363528.2 and 3 more transcripts); c.2433C>A, p.Ser811= (NM_001318827.2); c.2397C>A, p.Ser799= (NM_001318829.2); c.1944C>A, p.Ser648= (NM_001318831.2); c.2577C>A, p.Ser859= (NM_001318832.2); c.2544C>A (NM_000548.3).
Identifiers: ClinVar variation 1508906 (VCV001508906.8), dbSNP rs2151356741, ClinGen allele CA492953271.